The following is an entry in ClinVar:

ClinVar aggregate classification (germline): Uncertain significance (1 of 4 stars; one submission).

Conditions:
Hereditary spastic paraplegia 11. Also called: Spastic Paraplegia 11; Spastic paraplegia, mental retardation and thin corpus callosum; SPASTIC PARAPLEGIA, AUTOSOMAL RECESSIVE, COMPLICATED, WITH THIN CORPUS CALLOSUM; SPASTIC PARAPLEGIA, AUTOSOMAL RECESSIVE, WITH MENTAL IMPAIRMENT AND THIN CORPUS CALLOSUM; Nakamura Osame syndrome; Autosomal recessive hereditary spastic paraplegia, mental impairment, and thin corpus callosum. Identifiers: Orphanet 2822, MedGen C1858479, MONDO:0011445, OMIM 604360.

gnomAD v4.1: 10 of 1,614,210 alleles (0.00062%); highest among the groups gnomAD compares: Non-Finnish European, 0.00085%; no homozygotes.

Submission:

Labcorp Genetics (formerly Invitae), Labcorp
Classification: Uncertain significance for Hereditary spastic paraplegia 11. Last evaluated: 2021-08-27. Review status: criteria provided, single submitter. Criteria: Invitae Variant Classification Sherloc (09022015). Collection method: clinical testing. Allele origin: germline.
Comment: This sequence change replaces leucine with valine at codon 1260 of the SPG11 protein (p.Leu1260Val). The leucine residue is highly conserved and there is a small physicochemical difference between leucine and valine. This variant is present in population databases (rs776154524, ExAC 0.001%). This variant has not been reported in the literature in individuals affected with SPG11-related conditions. Algorithms developed to predict the effect of missense changes on protein structure and function are either unavailable or do not agree on the potential impact of this missense change (SIFT: "Deleterious"; PolyPhen-2: "Possibly Damaging"; Align-GVGD: "Class C0"). Algorithms developed to predict the effect of sequence changes on RNA splicing suggest that this variant may create or strengthen a splice site. In summary, the available evidence is currently insufficient to determine the role of this variant in disease. Therefore, it has been classified as a Variant of Uncertain Significance.

NM_025137.4(SPG11):c.3778T>G (p.Leu1260Val)

Gene: SPG11 (SPG11 vesicle trafficking associated, spatacsin; minus strand). Cytogenetic location: 15q21.1.
Variant type: single nucleotide variant.
Coding change: c.3778T>G on transcript NM_025137.4 (MANE Select); coding-DNA position 3778, T replaced by G.
Protein change: p.Leu1260Val; replaces leucine 1260 with valine.
Molecular consequence: missense variant.
Genome position (GRCh38, 1-based): chr15:44,598,745, A>C on the plus strand (T>G on the coding strand, the complement: SPG11 is on the minus strand). VCF-style: chr15-44598745-A-C. GRCh37 (hg19) VCF-style: chr15-44890943-A-C.
Other names: c.3778T>G, p.Leu1260Val (NM_001160227.2); short protein forms L1260V.
Identifiers: ClinVar variation 1440878 (VCV001440878.5), dbSNP rs776154524, ClinGen allele CA7534852.